The following is an entry in ClinVar:

NM_006950.3(SYN1):c.1264C>T (p.Arg422Ter)

Gene: SYN1 (synapsin I; minus strand). Cytogenetic location: Xp11.3.
Variant type: single nucleotide variant.
Coding change: c.1264C>T on transcript NM_006950.3 (MANE Select); coding-DNA position 1264, C replaced by T.
Protein change: p.Arg422Ter; replaces arginine 422 with a stop codon.
Molecular consequence: nonsense.
Genome position (GRCh38, 1-based): chrX:47,575,169, G>A on the plus strand (C>T on the coding strand, the complement: SYN1 is on the minus strand). VCF-style: chrX-47575169-G-A. GRCh37 (hg19) VCF-style: chrX-47434568-G-A.
Other names: p.R422*:CGA>TGA; c.1264C>T, p.Arg422Ter (NM_133499.2); short protein forms R422*.
Identifiers: ClinVar variation 207469 (VCV000207469.25), dbSNP rs757027813, ClinGen allele CA318946.

ClinVar aggregate classification (germline): Pathogenic. Review status: criteria provided, multiple submitters, no conflicts (2 of 4 stars). 3 submissions from 3 submitters: Pathogenic (2). 1 of the submissions does not count toward it. Last evaluated 2022-07-30.

Conditions:
Epilepsy, X-linked 1, with variable learning disabilities and behavior disorders. Also called: X-linked epilepsy-learning disabilities-behavior disorders syndrome. Identifiers: Orphanet 85294, MedGen C5774177, MONDO:0010339, OMIM 300491.

Submissions (3):

Institute for Human Genetics, University Hospital Essen
Classification: Pathogenic for Epilepsy, X-linked 1, with variable learning disabilities and behavior disorders. Last evaluated: 2022-07-30. Review status: criteria provided, single submitter. Criteria: ACMG Guidelines, 2015. Collection method: clinical testing. Allele origin: maternal. Affected: yes.

GeneDx
Classification: Pathogenic. Last evaluated: 2013-04-15. Review status: criteria provided, single submitter. Criteria: GeneDx Variant Classification (06012015). Collection method: clinical testing. Allele origin: germline. Affected: yes.
Comment: p.Arg422Stop (CGA>TGA): c.1264 C>T in exon 10 of the SYN1 gene (NM_133499.2) The Arg422Stop mutation in the SYN1 gene is predicted to cause loss of normal protein function either through protein truncation or nonsense-mediated mRNA decay. Other nonsense mutations have been published in patients with SYN1-related disorders. Therefore, even though this mutation has not been reported previously to our knowledge, its presence is consistent with a diagnosis of an SYN1-related disorder. The variant is found in CHILD-EPI panel(s).

OMIM
Classification: Pathogenic for EPILEPSY, X-LINKED 1, WITH VARIABLE LEARNING DISABILITIES AND BEHAVIOR DISORDERS. Last evaluated: 2022-11-22. Review status: no assertion criteria provided. Collection method: literature only. Allele origin: germline. Not counted in ClinVar's aggregate classification.

Literature cited by the submitters: PubMed 36568968 (cited by Institute for Human Genetics, University Hospital Essen); Sirsi, D., Armstrong, D., Munoz-Bibiloni, J., Redondo, B., Park, J. Y. SYN1 gene mutation in a child with focal epilepsy and reflex bathing seizures. J. Pediat. Epilepsy 6: 119-124, 2017. (cited by OMIM); PubMed 34078716 (cited by OMIM).